The following is an entry in ClinVar:

NM_001927.4(DES):c.1148G>A (p.Arg383His)

Gene: DES (desmin; plus strand). Cytogenetic location: 2q35.
Variant type: single nucleotide variant.
Coding change: c.1148G>A on transcript NM_001927.4 (MANE Select); coding-DNA position 1148, G replaced by A.
Protein change: p.Arg383His; replaces arginine 383 with histidine.
Molecular consequence: missense variant.
Genome position (GRCh38, 1-based): chr2:219,421,464, G>A. VCF-style: chr2-219421464-G-A. GRCh37 (hg19) VCF-style: chr2-220286186-G-A.
Other names: short protein forms R383H.
Identifiers: ClinVar variation 498347 (VCV000498347.43), dbSNP rs1292042317, ClinGen allele CA350694581.
Genomic context (GRCh38, chr2:219,421,464, plus strand): 5'-ACCAGGACAACATTGCGCGCCTGGAGGAGGAAATCCGGCACCTCAAGGATGAGATGGCCC[G>A]CCATCTGCGCGAGTACCAGGACCTGCTCAACGTGAAGATGGCCCTGGATGTGGAGATTGC-3'
Protein context (NP_001918.3, residues 373-393): EIRHLKDEMA[Arg383His]HLREYQDLLN

ClinVar aggregate classification (germline): Conflicting classifications of pathogenicity. Review status: criteria provided, conflicting classifications (1 of 4 stars). 8 submissions from 8 submitters: Likely pathogenic (1); Uncertain significance (7). Last evaluated 2025-05-11.

Conditions:
Dilated cardiomyopathy 1I (CMD1I). Identifiers: Orphanet 154, MedGen C1858154, MONDO:0011482, OMIM 604765.
Desmin-related myofibrillar myopathy (MFM1). Also called: Desminopathy; Desmin related myopathy (former name); Desmin storage myopathy (former name); MYOFIBRILLAR MYOPATHY WITH ARRHYTHMOGENIC RIGHT VENTRICULAR CARDIOMYOPATHY; DESMIN-RELATED MYOPATHY WITH ARRHYTHMOGENIC RIGHT VENTRICULAR CARDIOMYOPATHY; Myofibrillar myopathy 1. Identifiers: Orphanet 363543, Orphanet 98909, MedGen C1832370, MONDO:0011076, OMIM 601419.
Cardiovascular phenotype. Identifiers: MedGen CN230736.
Neurogenic scapuloperoneal syndrome, Kaeser type (SCPNK). Also called: KAESER SYNDROME. Identifiers: Orphanet 85146, MedGen C1867005, MONDO:0008407, OMIM 181400.

Allele frequency attached by ClinVar (database versions not stated): gnomAD 0.00001; TOPMed 0.00001.
gnomAD v4.1: 7 of 1,614,048 alleles (0.00043%); highest among the groups gnomAD compares: African/African-American, 0.0013%; no homozygotes.

Submissions (8):

Labcorp Genetics (formerly Invitae), Labcorp
Classification: Uncertain significance for Desmin-related myofibrillar myopathy. Last evaluated: 2025-05-11. Review status: criteria provided, single submitter. Criteria: Invitae Variant Classification Sherloc (09022015). Collection method: clinical testing. Allele origin: germline.
Comment: This sequence change replaces arginine, which is basic and polar, with histidine, which is basic and polar, at codon 383 of the DES protein (p.Arg383His). This variant is present in population databases (no rsID available, gnomAD 0.0009%). This variant has not been reported in the literature in individuals affected with DES-related conditions. ClinVar contains an entry for this variant (Variation ID: 498347). Invitae Evidence Modeling of protein sequence and biophysical properties (such as structural, functional, and spatial information, amino acid conservation, physicochemical variation, residue mobility, and thermodynamic stability) has been performed for this missense variant. However, the output from this modeling did not meet the statistical confidence thresholds required to predict the impact of this variant on DES protein function. In summary, the available evidence is currently insufficient to determine the role of this variant in disease. Therefore, it has been classified as a Variant of Uncertain Significance.

GeneDx
Classification: Uncertain significance. Last evaluated: 2025-04-29. Review status: criteria provided, single submitter. Criteria: GeneDx Variant Classification Process June 2021. Collection method: clinical testing. Allele origin: germline. Affected: yes.
Comment: This variant is associated with the following publications: (PMID: 26807690, Kavousi2024[preprint])

Ambry Genetics
Classification: Uncertain significance for Cardiovascular phenotype. Last evaluated: 2025-04-02. Review status: criteria provided, single submitter. Criteria: Ambry Variant Classification Scheme 2023. Collection method: clinical testing. Allele origin: germline.
Comment: The p.R383H variant (also known as c.1148G>A), located in coding exon 6 of the DES gene, results from a G to A substitution at nucleotide position 1148. The arginine at codon 383 is replaced by histidine, an amino acid with highly similar properties. This amino acid position is conserved. In addition, this alteration is predicted to be deleterious by in silico analysis. Since supporting evidence is limited at this time, the clinical significance of this alteration remains unclear.

Savagenome Genetic Health Clinic, Tarbiat Modares University
Classification: Likely pathogenic for Dilated cardiomyopathy 1I. Last evaluated: 2023-10-31. Review status: criteria provided, single submitter. Criteria: ACMG Guidelines, 2015. Collection method: research. Allele origin: germline. Inheritance: Autosomal dominant inheritance. Affected: yes. Observed: 1 heterozygote.
Comment: The arginine at codon 383, conserved position, is replaced by histidine, which both are basic and polar amino acids. This variant is absent from large population studies. Also, it has not been reported in the literature on individuals affected with DES-related conditions. computational prediction tools unanimously support a damaging effect on the gene and Following the ACMG guidelines the candidate variant may be categorized as "Likely Pathogenic".

CeGaT Center for Human Genetics Tuebingen
Classification: Uncertain significance. Last evaluated: 2022-08-01. Review status: criteria provided, single submitter. Criteria: CeGaT Center For Human Genetics Tuebingen Variant Classification Criteria Version 2. Collection method: clinical testing. Allele origin: germline. Affected: yes. Observed: 1 variant allele.
Comment: DES: PM2, PP3

AiLife Diagnostics
Classification: Uncertain significance. Last evaluated: 2022-02-21. Review status: criteria provided, single submitter. Criteria: ACMG Guidelines, 2015. Collection method: clinical testing. Allele origin: germline. Affected: yes. Observed: 1 variant allele.

Fulgent Genetics
Classification: Uncertain significance for Neurogenic scapuloperoneal syndrome, Kaeser type; Desmin-related myofibrillar myopathy; Dilated cardiomyopathy 1I. Last evaluated: 2021-11-02. Review status: criteria provided, single submitter. Criteria: ACMG Guidelines, 2015. Collection method: clinical testing. Allele origin: unknown.

Eurofins Ntd Llc (ga)
Classification: Uncertain significance. Last evaluated: 2016-11-22. Review status: criteria provided, single submitter. Criteria: EGL Classification Definitions 2015. Collection method: clinical testing. Allele origin: germline. Observed: 1 variant allele, 1 heterozygote.